The following is an entry in ClinVar:

ClinVar aggregate classification (germline): Uncertain significance (1 of 4 stars; one submission).

Conditions:
Polycystic kidney disease, adult type (PKD1). Also called: Polycystic Kidney Disease 1, Autosomal Dominant; POLYCYSTIC KIDNEY DISEASE, ADULT, TYPE I; Polycystic kidney disease 1; Polycystic kidney disease 1, severe; POLYCYSTIC KIDNEY DISEASE 1 WITH OR WITHOUT POLYCYSTIC LIVER DISEASE; Polycystic Kidney, Autosomal Dominant. Identifiers: MedGen C3149841, MONDO:0008263, OMIM 173900.

Submission:

Juno Genomics, Hangzhou Juno Genomics, Inc
Classification: Uncertain significance for Polycystic kidney disease, adult type. Review status: criteria provided, single submitter. Criteria: ACMG Guidelines, 2015. Collection method: clinical testing. Allele origin: germline.
Comment: Absent from controls (or at extremely low frequency if recessive) in Genome Aggregation Database.;Multiple lines of computational evidence support a deleterious effect on the gene or gene product.

NM_001009944.3(PKD1):c.9641T>G (p.Leu3214Arg)

Gene: PKD1 (polycystin 1, transient receptor potential channel interacting; minus strand). Cytogenetic location: 16p13.3.
Variant type: single nucleotide variant.
Coding change: c.9641T>G on transcript NM_001009944.3 (MANE Select); coding-DNA position 9641, T replaced by G.
Protein change: p.Leu3214Arg; replaces leucine 3214 with arginine.
Molecular consequence: missense variant.
Genome position (GRCh38, 1-based): chr16:2,100,237, A>C on the plus strand (T>G on the coding strand, the complement: PKD1 is on the minus strand). VCF-style: chr16-2100237-A-C. GRCh37 (hg19) VCF-style: chr16-2150238-A-C.
Other names: c.9641T>G, p.Leu3214Arg (NM_000296.4); short protein forms L3214R.
Identifiers: ClinVar variation 5019883 (VCV005019883.2).
Genomic context (GRCh38, chr16:2,100,237, plus strand): 5'-ACCTCCTTCTCCACCAGGCCCCCGTTGGCCTCCGTCTCCACCGAAAGCCAGTCATTGACC[A>C]GGAAGAAGGCGCTGCGTGCCGTCTGCAGGTCCCTGACGATGACGTGCTGCAGGAACCAGG-3'
Protein context (NP_001009944.3, residues 3204-3224): DLQTARSAFF[Leu3214Arg]VNDWLSVETE